The following is an entry in ClinVar:

NM_005709.4(USH1C):c.1216C>G (p.Gln406Glu)

Gene: USH1C (USH1 protein network component harmonin; minus strand). Cytogenetic location: 11p15.1.
Variant type: single nucleotide variant.
Coding change: c.1216C>G on transcript NM_005709.4 (MANE Plus Clinical); coding-DNA position 1216, C replaced by G.
Protein change: p.Gln406Glu; replaces glutamine 406 with glutamic acid.
Molecular consequence: missense variant. On other transcripts: intron variant (1).
Genome position (GRCh38, 1-based): chr11:17,517,469, G>C on the plus strand (C>G on the coding strand, the complement: USH1C is on the minus strand). VCF-style: chr11-17517469-G-C. GRCh37 (hg19) VCF-style: chr11-17539016-G-C.
Other names: c.1159C>G, p.Gln387Glu (NM_001297764.2); c.1211-1179C>G (NM_153676.4); c.1216C>G (NM_005709.3); short protein forms Q387E, Q406E.
Identifiers: ClinVar variation 1690756 (VCV001690756.3), dbSNP rs1294759353, ClinGen allele CA379782752.

ClinVar aggregate classification (germline): Conflicting classifications of pathogenicity. Review status: criteria provided, conflicting classifications (1 of 4 stars). 2 submissions from 2 submitters: Uncertain significance (1); Likely benign (1). Last evaluated 2025-08-12.

Conditions:
Inborn genetic diseases. Identifiers: MedGen C0950123, MeSH D030342.

Allele frequency attached by ClinVar (database versions not stated): TOPMed 0.00001.
gnomAD v4.1: 1 of 1,591,948 alleles (0.000063%); highest among the groups gnomAD compares: African/African-American, 0.0013%; no homozygotes.

Submissions (2):

Ambry Genetics
Classification: Uncertain significance for Inborn genetic diseases. Last evaluated: 2025-08-12. Review status: criteria provided, single submitter. Criteria: Ambry Variant Classification Scheme 2023. Collection method: clinical testing. Allele origin: germline.

Laboratorio de Genetica e Diagnostico Molecular, Hospital Israelita Albert Einstein
Classification: Likely benign. Last evaluated: 2019-12-25. Review status: criteria provided, single submitter. Criteria: ACMG Guidelines, 2015. Collection method: clinical testing. Allele origin: germline. Affected: yes.
Comment: ACMG classification criteria: PM2, BP1, BP4